The following is an entry in ClinVar:

NM_001388492.1(HTT):c.7996G>A (p.Val2666Ile)

Gene: HTT (huntingtin; plus strand). Cytogenetic location: 4p16.3.
Variant type: single nucleotide variant.
Coding change: c.7996G>A on transcript NM_001388492.1 (MANE Select); coding-DNA position 7996, G replaced by A.
Protein change: p.Val2666Ile; replaces valine 2666 with isoleucine.
Molecular consequence: missense variant.
Genome position (GRCh38, 1-based): chr4:3,228,896, G>A. VCF-style: chr4-3228896-G-A. GRCh37 (hg19) VCF-style: chr4-3230623-G-A.
Other names: c.8002G>A, p.Val2668Ile (NM_002111.8); short protein forms V2666I, V2668I.
Identifiers: ClinVar variation 1417926 (VCV001417926.6), dbSNP rs748046438, ClinGen allele CA2825569.
Genomic context (GRCh38, chr4:3,228,896, plus strand): 5'-TCATCTCATGTACTTGGAAAATACCCATCTCGCATATTCCACAGGAAACACCGGGCTGGA[G>A]TTGACATCCACTCCTGTTCGCAGTTTTTGCTTGAGTTGTACAGCCGCTGGATCCTGCCGT-3'
Protein context (NP_001375421.1, residues 2656-2676): PVNSRKHRAG[Val2666Ile]DIHSCSQFLL

ClinVar aggregate classification (germline): Uncertain significance (1 of 4 stars; one submission).

Allele frequency attached by ClinVar (database versions not stated): ExAC 0.00001; gnomAD exomes 0.00002; TOPMed 0.00002.
gnomAD v4.1: 29 of 1,613,542 alleles (0.0018%); highest among the groups gnomAD compares: Non-Finnish European, 0.0024%; no homozygotes.

Submission:

Labcorp Genetics (formerly Invitae), Labcorp
Classification: Uncertain significance. Last evaluated: 2021-03-24. Review status: criteria provided, single submitter. Criteria: Invitae Variant Classification Sherloc (09022015). Collection method: clinical testing. Allele origin: germline.
Comment: In summary, the available evidence is currently insufficient to determine the role of this variant in disease. Therefore, it has been classified as a Variant of Uncertain Significance. Experimental studies and prediction algorithms are not available or were not evaluated, and the functional significance of this variant is currently unknown. This variant has not been reported in the literature in individuals with HTT-related conditions. This variant is present in population databases (rs748046438, ExAC 0.002%). This sequence change replaces valine with isoleucine at codon 2668 of the HTT protein (p.Val2668Ile). The valine residue is moderately conserved and there is a small physicochemical difference between valine and isoleucine.